The following is an entry in ClinVar:

NM_006031.6(PCNT):c.79A>G (p.Thr27Ala)

Genes: PCNT (pericentrin; plus strand), LOC128092249 (uncharacterized LOC128092249; plus strand). Cytogenetic location: 21q22.3.
Variant type: single nucleotide variant.
Coding change: c.79A>G on transcript NM_006031.6 (MANE Select); coding-DNA position 79, A replaced by G.
Protein change: p.Thr27Ala; replaces threonine 27 with alanine.
Molecular consequence: missense variant. On other transcripts: synonymous variant (1), 5 prime UTR variant (1).
Genome position (GRCh38, 1-based): chr21:46,326,401, A>G. VCF-style: chr21-46326401-A-G. GRCh37 (hg19) VCF-style: chr21-47746315-A-G.
Other names: c.114A>G, p.Lys38= (NM_001414902.1); c.-276A>G (NM_001315529.2); short protein forms T27A.
Identifiers: ClinVar variation 4999056 (VCV004999056.1).
Genomic context (GRCh38, chr21:46,326,401, plus strand): 5'-CCTTTGCCTTTACTACTTATCTACATTTTTGCGCAGCTTGCTCACTTCCGACAGAGAAAA[A>G]CAAAAGGTGACAGTTCGCATTCGGAGAAAAAGACGGCGAAGAGGAAGGGCTCGGCTGTCG-3'
Protein context (NP_006022.3, residues 17-37): TKLAHFRQRK[Thr27Ala]KGDSSHSEKK

ClinVar aggregate classification (germline): Uncertain significance (1 of 4 stars; one submission).

Conditions:
PCNT-related disorder. Also called: PCNT-related condition.

gnomAD v4.1: 2 of 1,614,234 alleles (0.00012%); highest among the groups gnomAD compares: African/African-American, 0.0027%; no homozygotes.

Submission:

PreventionGenetics, part of Exact Sciences
Classification: Uncertain significance for PCNT-related condition. Last evaluated: 2025-08-12. Review status: criteria provided, single submitter. Criteria: ACMG Guidelines, 2015. Collection method: clinical testing. Allele origin: germline.
Comment: The PCNT c.79A>G variant is predicted to result in the amino acid substitution p.Thr27Ala. To our knowledge, this variant has not been reported in the literature. This variant is reported in 0.0062% of alleles in individuals of African descent in gnomAD. At this time, the clinical significance of this variant is uncertain due to the absence of conclusive functional and genetic evidence.